The following is an entry in ClinVar:

NM_206933.4(USH2A):c.12553del (p.Lys4184_Ile4185insTer)

Gene: USH2A (usherin; minus strand). Cytogenetic location: 1q41.
Variant type: Deletion.
Coding change: c.12553del on transcript NM_206933.4 (MANE Select); coding-DNA position 12553, one base deleted (A; older notation c.12553delA).
Protein change: p.Lys4184_Ile4185insTer.
Molecular consequence: nonsense.
Genome position (GRCh38, 1-based): chr1:215,675,358, T deleted on the plus strand (A on the coding strand, the reverse complement: USH2A is on the minus strand); the first of 5 consecutive T bases (chr1:215,675,358-215,675,362); deleting any one gives the same sequence. VCF-style (leftmost placement, unchanged base first): chr1-215675357-AT-A. GRCh37 (hg19) VCF-style: chr1-215848699-AT-A.
Identifiers: ClinVar variation 5004426 (VCV005004426.1).

ClinVar aggregate classification (germline): Pathogenic (1 of 4 stars; one submission).

Conditions:
USH2A-related disorder. Also called: USH2A-related condition; USH2A-related disorders. Identifiers: MedGen CN239332.

Submission:

Myriad Genetics, Inc.
Classification: Pathogenic for USH2A-related disorder. Last evaluated: 2026-01-27. Review status: criteria provided, single submitter. Criteria: Myriad Autosomal Dominant, Autosomal Recessive and X-Linked Classification Criteria (2023). Collection method: clinical testing. Allele origin: unknown.
Comment: NM_206933.2(USH2A):c.12553delA(I4185*) is a nonsense variant classified as pathogenic in the context of USH2A-related disorders. I4185* has not been observed in cases with relevant disease. Relevant functional assessments of this variant are not available in the literature. I4185* has not been observed in referenced population frequency databases. In summary, NM_206933.2(USH2A):c.12553delA(I4185*) is a nonsense variant in a gene where loss of function is a known mechanism of disease and is predicted to disrupt protein function. Please note: this variant was assessed in the context of healthy population screening.